The following is an entry in ClinVar:

NM_007255.3(B4GALT7):c.814G>A (p.Ala272Thr)

Gene: B4GALT7 (beta-1,4-galactosyltransferase 7; plus strand). Cytogenetic location: 5q35.3.
Variant type: single nucleotide variant.
Coding change: c.814G>A on transcript NM_007255.3 (MANE Select); coding-DNA position 814, G replaced by A.
Protein change: p.Ala272Thr; replaces alanine 272 with threonine.
Molecular consequence: missense variant.
Genome position (GRCh38, 1-based): chr5:177,609,000, G>A. VCF-style: chr5-177609000-G-A. GRCh37 (hg19) VCF-style: chr5-177036001-G-A.
Other names: p.Ala272Thr; short protein forms A272T.
Identifiers: ClinVar variation 389383 (VCV000389383.57), dbSNP rs146632722, ClinGen allele CA3586692.

ClinVar aggregate classification (germline): Conflicting classifications of pathogenicity. Review status: criteria provided, conflicting classifications (1 of 4 stars). 8 submissions from 8 submitters: Uncertain significance (7); Likely benign (1). Last evaluated 2026-04-27.

Conditions:
Inborn genetic diseases. Identifiers: MedGen C0950123, MeSH D030342.
Spondylodysplastic Ehlers-Danlos syndrome. Identifiers: Orphanet 536471, Orphanet 75496, MedGen C5680154, MONDO:0007526.

Allele frequency attached by ClinVar (database versions not stated): ExAC 0.00053; TOPMed 0.00053; gnomAD 0.00058 and 0.00062; ESP Exome Variant Server 0.00100.
gnomAD v4.1: 1,648 of 1,611,628 alleles (0.1%); highest among the groups gnomAD compares: Non-Finnish European, 0.13%; 1 homozygote.

Submissions (8):

Women's Health and Genetics/Laboratory Corporation of America, LabCorp
Classification: Uncertain significance. Last evaluated: 2026-04-27. Review status: criteria provided, single submitter. Criteria: LabCorp Variant Classification Summary - May 2015. Collection method: clinical testing. Allele origin: germline.
Comment: Variant summary: B4GALT7 c.814G>A (p.Ala272Thr) results in a non-conservative amino acid change in the encoded protein sequence. Algorithms developed to predict the effect of missense changes on protein structure and function are either unavailable or do not agree on the potential impact of this missense change. The variant allele was found at a frequency of 0.00058 in 248534 control chromosomes. This frequency is not significantly higher than estimated for disease-causing variants in B4GALT7, allowing no conclusion about variant significance. To our knowledge, no occurrence of c.814G>A in individuals affected with B4GALT7-related conditions and no experimental evidence demonstrating its impact on protein function have been reported. ClinVar contains an entry for this variant (Variation ID: 389383). Based on the evidence outlined above, the variant was classified as uncertain significance.

CeGaT Center for Human Genetics Tuebingen
Classification: Uncertain significance. Last evaluated: 2026-02-01. Review status: criteria provided, single submitter. Criteria: CeGaT Center For Human Genetics Tuebingen Variant Classification Criteria Version 2. Collection method: clinical testing. Allele origin: germline. Affected: yes. Observed: 2 variant alleles.

GeneDx
Classification: Uncertain significance. Last evaluated: 2025-09-24. Review status: criteria provided, single submitter. Criteria: GeneDx Variant Classification Process June 2021. Collection method: clinical testing. Allele origin: germline. Affected: yes.
Comment: In silico analysis suggests that this missense variant does not alter protein structure/function; Has been listed as de novo in a patient who harbored additional variants in a large cohort study of individuals with developmental disorders; no additional patient specific information was provided (PMID: 33057194, 35982159); This variant is associated with the following publications: (PMID: 33057194, 35982159)

Mayo Clinic Laboratories, Mayo Clinic
Classification: Likely benign. Last evaluated: 2025-07-30. Review status: criteria provided, single submitter. Criteria: ACMG Guidelines, 2015. Collection method: clinical testing. Allele origin: germline. Observed: 4 variant alleles.
Comment: BS1, BP4_moderate

Blueprint Genetics
Classification: Uncertain significance. Last evaluated: 2024-11-21. Review status: criteria provided, single submitter. Criteria: ACMG Guidelines, 2015. Collection method: clinical testing. Allele origin: germline.

Labcorp Genetics (formerly Invitae), Labcorp
Classification: Uncertain significance for Spondylodysplastic Ehlers-Danlos syndrome. Last evaluated: 2022-10-17. Review status: criteria provided, single submitter. Criteria: Invitae Variant Classification Sherloc (09022015). Collection method: clinical testing. Allele origin: germline.
Comment: This sequence change replaces alanine, which is neutral and non-polar, with threonine, which is neutral and polar, at codon 272 of the B4GALT7 protein (p.Ala272Thr). This variant is present in population databases (rs146632722, gnomAD 0.1%), and has an allele count higher than expected for a pathogenic variant. This variant has not been reported in the literature in individuals affected with B4GALT7-related conditions. ClinVar contains an entry for this variant (Variation ID: 389383). Advanced modeling of protein sequence and biophysical properties (such as structural, functional, and spatial information, amino acid conservation, physicochemical variation, residue mobility, and thermodynamic stability) performed at Invitae indicates that this missense variant is not expected to disrupt B4GALT7 protein function. In summary, the available evidence is currently insufficient to determine the role of this variant in disease. Therefore, it has been classified as a Variant of Uncertain Significance.

Ambry Genetics
Classification: Uncertain significance for Inborn genetic diseases. Last evaluated: 2021-03-31. Review status: criteria provided, single submitter. Criteria: Ambry Variant Classification Scheme 2023. Collection method: clinical testing. Allele origin: germline.

Baylor Genetics
Classification: Uncertain significance for Ehlers-Danlos syndrome, spondylodysplastic type, 1. Last evaluated: 2018-12-24. Review status: criteria provided, single submitter. Criteria: ACMG Guidelines, 2015. Collection method: clinical testing. Allele origin: unknown. Affected: yes.
Comment: This variant was determined to be of uncertain significance according to ACMG Guidelines, 2015 [PMID:25741868].

Literature cited by the submitters: PubMed 33057194 (cited by Mayo Clinic Laboratories, Mayo Clinic); PubMed 35982159 (cited by Mayo Clinic Laboratories, Mayo Clinic).